The following is an entry in ClinVar:

NM_000317.3(PTS):c.186+1G>A

Gene: PTS (6-pyruvoyltetrahydropterin synthase; plus strand). Cytogenetic location: 11q23.1.
Variant type: single nucleotide variant.
Coding change: c.186+1G>A on transcript NM_000317.3 (MANE Select); the canonical splice donor site of the intron after coding-DNA position 186, G replaced by A.
Molecular consequence: splice donor variant.
Genome position (GRCh38, 1-based): chr11:112,230,231, G>A. VCF-style: chr11-112230231-G-A. GRCh37 (hg19) VCF-style: chr11-112100954-G-A.
Other names: c.186+1G>A (NM_000317.2).
Identifiers: ClinVar variation 2137247 (VCV002137247.9), dbSNP rs1256819927, ClinGen allele CA382627586.

ClinVar aggregate classification (germline): Pathogenic. Review status: criteria provided, multiple submitters, no conflicts (2 of 4 stars). 4 submissions from 4 submitters: Pathogenic (4). Last evaluated 2024-11-07.

Conditions:
6-Pyruvoyl-tetrahydrobiopterin synthase deficiency. Also called: HYPERPHENYLALANINEMIA, TETRAHYDROBIOPTERIN-DEFICIENT, DUE TO PTS DEFICIENCY; Hyperphenylalanemia, BH4-deficient, A; Hyperphenylalaninemia due to 6-pyruvoyl-tetrahydropterin synthase deficiency; 6-Pyruvoyltetrahydropterin Synthase Deficiency; PTS-Related Tetrahydrobiopterin Deficiency; BH4-deficient hyperphenylalaninemia A. Identifiers: Orphanet 13, Orphanet 238583, MedGen C0878676, MONDO:0009863, OMIM 261640.

gnomAD v4.1: 1 of 1,613,450 alleles (0.000062%); highest among the groups gnomAD compares: Non-Finnish European, 0.000085%; no homozygotes.

Submissions (9):

Natera, Inc.
Classification: Pathogenic for 6-Pyruvoyl-tetrahydrobiopterin synthase deficiency. Last evaluated: 2024-11-07. Review status: criteria provided, single submitter. Criteria: Natera Variant Classification Schema (03/2026). Collection method: clinical testing. Allele origin: germline.
Comment: The c.186+1G>A variant in PTS is a canonical splice donor site variant predicted to affect pre-mRNA splicing, which may result in an abnormal transcript and altered protein product. This variant is expected to result in nonsense mediated decay, truncation, or a dysfunctional protein product. This variant is rare in the general population with a frequency below the threshold expected for the associated phenotype(s). This variant has been observed in one or more individuals affected with the associated recessive disease, as either homozygous or compound heterozygous with a second variant (PMID: 25456745). Given the available evidence, this variant is classified as Pathogenic.

Labcorp Genetics (formerly Invitae), Labcorp
Classification: Pathogenic for 6-Pyruvoyl-tetrahydrobiopterin synthase deficiency. Last evaluated: 2023-11-14. Review status: criteria provided, single submitter. Criteria: Invitae Variant Classification Sherloc (09022015). Collection method: clinical testing. Allele origin: germline.
Comment: This sequence change affects a donor splice site in intron 3 of the PTS gene. RNA analysis indicates that disruption of this splice site induces altered splicing and may result in an absent or disrupted protein product. This variant is not present in population databases (gnomAD no frequency). Disruption of this splice site has been observed in individual(s) with biopterin-deficient hyperphenylalaninemia (PMID: 11438997, 23138986). This variant is also known as IVS3+1G>A. ClinVar contains an entry for this variant (Variation ID: 2137247). Studies have shown that disruption of this splice site results in skipping of exon 3 and introduces a premature termination codon (PMID: 11438997). The resulting mRNA is expected to undergo nonsense-mediated decay. For these reasons, this variant has been classified as Pathogenic.

Baylor Genetics
Classification: Pathogenic for 6-Pyruvoyl-tetrahydrobiopterin synthase deficiency. Last evaluated: 2022-03-29. Review status: criteria provided, single submitter. Criteria: ACMG Guidelines, 2015. Collection method: clinical testing. Allele origin: unknown.

Juno Genomics, Hangzhou Juno Genomics, Inc
Classification: Pathogenic for 6-Pyruvoyl-tetrahydrobiopterin synthase deficiency. Review status: criteria provided, single submitter. Criteria: ACMG Guidelines, 2015. Collection method: clinical testing. Allele origin: germline.
Comment: Absent from controls (or at extremely low frequency if recessive) in Genome Aggregation Database.;Null variant in a gene where loss of function (LOF) is a known mechanism of disease.;For recessive disorders, detected in trans with a pathogenic variant.

Dr. Peter K. Rogan Lab, Western University
No classification provided (evidence only). Condition: Nonpapillary renal cell carcinoma. Review status: no classification provided. Collection method: in vitro. Allele origin: not applicable. Functional consequence: retained intron. Not counted in ClinVar's aggregate classification.

Dr. Peter K. Rogan Lab, Western University
No classification provided (evidence only). Condition: Nonpapillary renal cell carcinoma. Review status: no classification provided. Collection method: in vitro. Allele origin: not applicable. Functional consequence: retained intron. Not counted in ClinVar's aggregate classification.

Dr. Peter K. Rogan Lab, Western University
No classification provided (evidence only). Condition: Nonpapillary renal cell carcinoma. Review status: no classification provided. Collection method: in vitro. Allele origin: not applicable. Functional consequence: retained intron. Not counted in ClinVar's aggregate classification.

Dr. Peter K. Rogan Lab, Western University
No classification provided (evidence only). Condition: Nonpapillary renal cell carcinoma. Review status: no classification provided. Collection method: in vitro. Allele origin: not applicable. Functional consequence: skipped exon, retained intron. Not counted in ClinVar's aggregate classification.

Dr. Peter K. Rogan Lab, Western University
No classification provided (evidence only). Condition: Nonpapillary renal cell carcinoma. Review status: no classification provided. Collection method: in vitro. Allele origin: not applicable. Functional consequence: skipped exon, retained intron. Not counted in ClinVar's aggregate classification.

Literature cited by the submitters: PubMed 25456745 (cited by Natera, Inc.); PubMed 11438997 (cited by Labcorp Genetics (formerly Invitae), Labcorp); PubMed 23138986 (cited by Labcorp Genetics (formerly Invitae), Labcorp).